The following is an entry in ClinVar:

NM_080473.5(GATA5):c.478G>C (p.Asp160His)

Gene: GATA5 (GATA binding protein 5; minus strand). Cytogenetic location: 20q13.33.
Variant type: single nucleotide variant.
Coding change: c.478G>C on transcript NM_080473.5 (MANE Select); coding-DNA position 478, G replaced by C.
Protein change: p.Asp160His; replaces aspartic acid 160 with histidine.
Molecular consequence: missense variant.
Genome position (GRCh38, 1-based): chr20:62,475,044, C>G on the plus strand (G>C on the coding strand, the complement: GATA5 is on the minus strand). VCF-style: chr20-62475044-C-G. GRCh37 (hg19) VCF-style: chr20-61050100-C-G.
Other names: short protein forms D160H.
Identifiers: ClinVar variation 1956359 (VCV001956359.5), dbSNP rs782503555, ClinGen allele CA409556283.
Genomic context (GRCh38, chr20:62,475,044, plus strand): 5'-AGCCCCCGCACTCACCGAAGGTGGGCCTGCGGCCTGGGAGGCCGTGCAGGACGCTGCCAT[C>G]GAAGGGCCCGGCAGTCCAGGACTGGGCCACGTCGGGGCTCACGTAGGCCGGGTAGGTGGC-3'
Protein context (NP_536721.1, residues 150-170): VAQSWTAGPF[Asp160His]GSVLHGLPGR

ClinVar aggregate classification (germline): Uncertain significance (1 of 4 stars; one submission).

Submission:

Labcorp Genetics (formerly Invitae), Labcorp
Classification: Uncertain significance. Last evaluated: 2022-10-14. Review status: criteria provided, single submitter. Criteria: Invitae Variant Classification Sherloc (09022015). Collection method: clinical testing. Allele origin: germline.
Comment: In summary, the available evidence is currently insufficient to determine the role of this variant in disease. Therefore, it has been classified as a Variant of Uncertain Significance. Advanced modeling of protein sequence and biophysical properties (such as structural, functional, and spatial information, amino acid conservation, physicochemical variation, residue mobility, and thermodynamic stability) performed at Invitae indicates that this missense variant is not expected to disrupt GATA5 protein function. This variant has not been reported in the literature in individuals affected with GATA5-related conditions. This variant is not present in population databases (gnomAD no frequency). This sequence change replaces aspartic acid, which is acidic and polar, with histidine, which is basic and polar, at codon 160 of the GATA5 protein (p.Asp160His).